The following is an entry in ClinVar:

ClinVar aggregate classification (germline): Conflicting classifications of pathogenicity. Review status: criteria provided, conflicting classifications (1 of 4 stars). 6 submissions from 6 submitters: Uncertain significance (5); Benign (1). Last evaluated 2025-11-27.

Conditions:
Inborn genetic diseases. Identifiers: MedGen C0950123, MeSH D030342.

Allele frequency attached by ClinVar (database versions not stated): gnomAD exomes 0.00006; ExAC 0.00008; gnomAD 0.00036 and 0.00038; TOPMed 0.00050.
gnomAD v4.1: 103 of 1,611,944 alleles (0.0064%); highest among the groups gnomAD compares: African/African-American, 0.1%; no homozygotes.

Submissions (6):

Labcorp Genetics (formerly Invitae), Labcorp
Classification: Benign. Last evaluated: 2025-11-27. Review status: criteria provided, single submitter. Criteria: Invitae Variant Classification Sherloc (09022015). Collection method: clinical testing. Allele origin: germline.

Dasa
Classification: Uncertain significance. Last evaluated: 2025-01-19. Review status: criteria provided, single submitter. Criteria: DASA Assertion Criteria. Collection method: clinical testing. Allele origin: germline.
Comment: NM_016239.4(MYO15A):c.1562C>T (p.Pro521Leu) is a missense variant that results in the substitution of proline with leucine. This variant is rare in population databases. Computational prediction algorithms are consistent with a benign effect. The currently available literature and clinical evidence are not sufficient to establish a definitive association between this variant and the reported condition. Therefore, this variant is classified as a variant of uncertain significance.

GeneDx
Classification: Uncertain significance. Last evaluated: 2024-10-07. Review status: criteria provided, single submitter. Criteria: GeneDx Variant Classification Process June 2021. Collection method: clinical testing. Allele origin: germline. Affected: yes.
Comment: In silico analysis supports that this missense variant has a deleterious effect on protein structure/function; Has not been previously published as pathogenic or benign to our knowledge

Blueprint Genetics
Classification: Uncertain significance. Last evaluated: 2023-04-18. Review status: criteria provided, single submitter. Criteria: ACMG Guidelines, 2015. Collection method: clinical testing. Allele origin: germline.

Ambry Genetics
Classification: Uncertain significance for Inborn genetic diseases. Last evaluated: 2022-02-02. Review status: criteria provided, single submitter. Criteria: Ambry Variant Classification Scheme 2023. Collection method: clinical testing. Allele origin: germline.

Breakthrough Genomics
Classification: Uncertain significance. Review status: criteria provided, single submitter. Criteria: ACMG Guidelines, 2015. Collection method: not provided. Allele origin: germline. Inheritance: Autosomal recessive inheritance. Affected: yes.

NM_016239.4(MYO15A):c.1562C>T (p.Pro521Leu)

Gene: MYO15A (myosin XVA; plus strand). Cytogenetic location: 17p11.2.
Variant type: single nucleotide variant.
Coding change: c.1562C>T on transcript NM_016239.4 (MANE Select); coding-DNA position 1562, C replaced by T.
Protein change: p.Pro521Leu; replaces proline 521 with leucine.
Molecular consequence: missense variant.
Genome position (GRCh38, 1-based): chr17:18,120,362, C>T. VCF-style: chr17-18120362-C-T. GRCh37 (hg19) VCF-style: chr17-18023676-C-T.
Other names: short protein forms P521L.
Identifiers: ClinVar variation 1253807 (VCV001253807.14), dbSNP rs867630446, ClinGen allele CA8423121.